The following is an entry in ClinVar:

NM_001458.5(FLNC):c.7289C>T (p.Ala2430Val)

Genes: FLNC (filamin C; plus strand), FLNC-AS1 (FLNC antisense RNA 1; minus strand). Cytogenetic location: 7q32.1.
Variant type: single nucleotide variant.
Coding change: c.7289C>T on transcript NM_001458.5 (MANE Select); coding-DNA position 7289, C replaced by T.
Protein change: p.Ala2430Val; replaces alanine 2430 with valine.
Molecular consequence: missense variant.
Genome position (GRCh38, 1-based): chr7:128,856,555, C>T. VCF-style: chr7-128856555-C-T. GRCh37 (hg19) VCF-style: chr7-128496609-C-T.
Other names: c.7190C>T, p.Ala2397Val (NM_001127487.2); short protein forms A2430V, A2397V.
Identifiers: ClinVar variation 197502 (VCV000197502.69), dbSNP rs200516164, ClinGen allele CA245692.
Genomic context (GRCh38, chr7:128,856,555, plus strand): 5'-AGCATCCTCCGTGGCCTTTGCAGGAGACGGGGCTCAAGGTGAACCAGCCAGCGTCCTTTG[C>T]CGTGCAGCTGAACGGTGCCCGGGGCGTGATTGATGCCCGGGTGCACACACCCTCGGGGGC-3'
Protein context (NP_001449.3, residues 2420-2440): GLKVNQPASF[Ala2430Val]VQLNGARGVI

ClinVar aggregate classification (germline): Conflicting classifications of pathogenicity. Review status: criteria provided, conflicting classifications (1 of 4 stars). 15 submissions from 15 submitters: Uncertain significance (9); Likely benign (3). 3 of the submissions do not count toward it. Last evaluated 2026-08-01.

Conditions:
Distal myopathy with posterior leg and anterior hand involvement. Also called: WILLIAMS DISTAL MYOPATHY. Identifiers: Orphanet 63273, MedGen C3279722, MONDO:0013550, OMIM 614065.
Hypertrophic cardiomyopathy 26. Also called: Cardiomyopathy, familial hypertrophic, 26. Identifiers: Orphanet 75249, MedGen C4310749, MONDO:0014883, OMIM 617047.
Myofibrillar myopathy 5. Also called: Filaminopathy (type); FILAMINOPATHY, AUTOSOMAL DOMINANT. Identifiers: Orphanet 171445, MedGen C1836050, MONDO:0012289, OMIM 609524.
Cardiovascular phenotype. Identifiers: MedGen CN230736.

Allele frequency attached by ClinVar (database versions not stated): ExAC 0.00009; gnomAD 0.00009 and 0.00010; gnomAD exomes 0.00010 and 0.00013; TOPMed 0.00011; ESP Exome Variant Server 0.00016.
gnomAD v4.1: 200 of 1,612,814 alleles (0.012%); highest among the groups gnomAD compares: Non-Finnish European, 0.016%; no homozygotes.

Submissions (15):

CeGaT Center for Human Genetics Tuebingen
Classification: Uncertain significance. Last evaluated: 2026-08-01. Review status: criteria provided, single submitter. Criteria: CeGaT Center For Human Genetics Tuebingen Variant Classification Criteria Version 2. Collection method: clinical testing. Allele origin: germline. Affected: yes. Observed: 2 variant alleles.
Comment: FLNC: PP3

Labcorp Genetics (formerly Invitae), Labcorp
Classification: Likely benign for Distal myopathy with posterior leg and anterior hand involvement; Myofibrillar myopathy 5; Hypertrophic cardiomyopathy 26. Last evaluated: 2026-01-14. Review status: criteria provided, single submitter. Criteria: Invitae Variant Classification Sherloc (09022015). Collection method: clinical testing. Allele origin: germline.

Women's Health and Genetics/Laboratory Corporation of America, LabCorp
Classification: Uncertain significance. Last evaluated: 2025-11-18. Review status: criteria provided, single submitter. Criteria: LabCorp Variant Classification Summary - May 2015. Collection method: clinical testing. Allele origin: germline.
Comment: Variant summary: FLNC c.7289C>T (p.Ala2430Val) results in a non-conservative amino acid change in the encoded protein sequence. Algorithms developed to predict the effect of missense changes on protein structure and function all suggest that this variant is likely to be disruptive. The variant allele was found at a frequency of 0.0001 in 246700 control chromosomes, predominantly at a frequency of 0.0002 within the Non-Finnish European subpopulation in the gnomAD database. The observed variant frequency within Non-Finnish European control individuals in the gnomAD database exceeds the estimated maximal expected allele frequency for disease-causing variants in FLNC. c.7289C>T has been observed in the literature in individuals affected with Hypertrophic Cardiomyopathy (e.g. Valdes-Mas_2014, Gomez_2017, Schanzer_2021), where in one family the variant seemed to segregate with the phenotype (Valdes-Mas_2014), and in another patient the cardiac histology was consistent with myofibrillar myopathy, but segregation analysis was not possible in this family (Schanzer_2021). These data indicate that the variant may be associated with disease. At least one publication reported experimental evidence evaluating an impact on protein function and demonstrated increased protein aggregation, and mislocalization to the perinuclear region in rat cardiac myoblasts transfected with the variant (Valdes-Mas_2014). The following publications have been ascertained in the context of this evaluation (PMID: 28356264, 31641117, 33710525, 25351925, 37937776). ClinVar contains an entry for this variant (Variation ID: 197502). Based on the evidence outlined above, the variant was classified as uncertain significance.

Dasa
Classification: Uncertain significance. Last evaluated: 2025-04-28. Review status: criteria provided, single submitter. Criteria: DASA Assertion Criteria. Collection method: clinical testing. Allele origin: germline.
Comment: NM_001458.5(FLNC):c.7289C>T (p.Ala2430Val) is a missense variant that results in the substitution of alanine with valine. Functional evidence supports a deleterious effect on the gene or gene product (PMID: 33710525; PMID: 32295012; PMID: 25351925; PMID: 31641117; PMID: 28356264). This variant has been recurrently observed in individuals with related phenotype (PMID: 33710525; PMID: 32295012; PMID: 25351925; PMID: 31641117; PMID: 28356264). Multiple computational predictions support a deleterious effect on the gene or gene product. The variant is present at low frequency in population datasets. Based on the available data, this variant is classified as variant of uncertain significance.

Institute of Immunology and Genetics Kaiserslautern
Classification: Uncertain significance for Hypertrophic cardiomyopathy 26. Last evaluated: 2024-11-21. Review status: criteria provided, single submitter. Criteria: ACMG Guidelines, 2015. Collection method: clinical testing. Allele origin: germline. Affected: yes.
Comment: ACMG Criteria: PP3, PP5, PM1, PS3_P; Variant was found in heterozygous state

Ambry Genetics
Classification: Uncertain significance for Cardiovascular phenotype. Last evaluated: 2024-11-18. Review status: criteria provided, single submitter. Criteria: Ambry Variant Classification Scheme 2023. Collection method: clinical testing. Allele origin: germline.
Comment: The p.A2430V variant (also known as c.7289C>T), located in coding exon 44 of the FLNC gene, results from a C to T substitution at nucleotide position 7289. The alanine at codon 2430 is replaced by valine, an amino acid with similar properties. This variant has been reported in individuals with hypertrophic cardiomyopathy (HCM) and, in one family, showed limited segregation with HCM and elevated creatine kinase (Vald&eacute;s-Mas R et al. Nat Commun, 2014 Oct;5:5326; G&oacute;mez J et al. Circ Cardiovasc Genet, 2017 Apr;10; Sch&auml;nzer A et al. J Muscle Res Cell Motil, 2021 06;42:381-397). Studies of myocardial tissue from an affected individual with this variant and neonatal rat cardiomyocytes expressing this variant demonstrated abnormal protein aggregates (Vald&eacute;s-Mas R et al. Nat Commun, 2014 Oct;5:5326; Sch&auml;nzer A et al. J Muscle Res Cell Motil, 2021 06;42:381-397). This amino acid position is well conserved in available vertebrate species. In addition, the in silico prediction for this alteration is inconclusive. Since supporting evidence is limited at this time, the clinical significance of this alteration remains unclear.

Blueprint Genetics
Classification: Likely benign. Last evaluated: 2024-11-11. Review status: criteria provided, single submitter. Criteria: ACMG Guidelines, 2015. Collection method: clinical testing. Allele origin: germline.

Revvity Omics, Revvity
Classification: Uncertain significance. Last evaluated: 2023-06-27. Review status: criteria provided, single submitter. Criteria: ACMG Guidelines, 2015. Collection method: clinical testing. Allele origin: germline.

Clinical Genetics Laboratory, Skane University Hospital Lund
Classification: Uncertain significance. Last evaluated: 2022-06-15. Review status: criteria provided, single submitter. Criteria: ACMG Guidelines, 2015. Collection method: clinical testing. Allele origin: germline. Affected: yes.

GeneDx
Classification: Likely benign. Last evaluated: 2020-12-23. Review status: criteria provided, single submitter. Criteria: GeneDx Variant Classification Process June 2021. Collection method: clinical testing. Allele origin: germline. Affected: yes.
Comment: Reported in two probands with HCM; one of these probands also demonstrated elevated CK levels, and two out of three relatives who were heterozygous for A2430V demonstrated elevated CK levels and left ventricular wall measurements of 12 mm and 14 mm, respectively (Valdes-Mas et al., 2014; Gomez et al., 2017); In silico analysis supports that this missense variant does not alter protein structure/function; Published functional studies suggest an effect on protein structure (Valdes-Mas et al., 2014); Reported in ClinVar as a variant of uncertain significance (ClinVar Variant ID# 197502; Landrum et al., 2016); This variant is associated with the following publications: (PMID: 26555887, 28356264, 25351925)

Fulgent Genetics
Classification: Uncertain significance for Myofibrillar myopathy 5; Distal myopathy with posterior leg and anterior hand involvement; Hypertrophic cardiomyopathy 26. Last evaluated: 2018-10-31. Review status: criteria provided, single submitter. Criteria: ACMG Guidelines, 2015. Collection method: clinical testing. Allele origin: unknown.

Eurofins Ntd Llc (ga)
Classification: Uncertain significance. Last evaluated: 2015-02-17. Review status: criteria provided, single submitter. Criteria: EGL Classification Definitions 2015. Collection method: clinical testing. Allele origin: germline. Observed: 1 variant allele, 1 heterozygote.

Clinical Genetics DNA and cytogenetics Diagnostics Lab, Erasmus MC, Erasmus Medical Center
Classification: Uncertain significance. Review status: no assertion criteria provided. Collection method: clinical testing. Allele origin: germline. Affected: yes. Study: VKGL Data-share Consensus. Not counted in ClinVar's aggregate classification.

Genome Diagnostics Laboratory, University Medical Center Utrecht
Classification: Uncertain significance. Review status: no assertion criteria provided. Collection method: clinical testing. Allele origin: germline. Affected: yes. Study: VKGL Data-share Consensus. Not counted in ClinVar's aggregate classification.

Joint Genome Diagnostic Labs from Nijmegen and Maastricht, Radboudumc and MUMC+
Classification: Uncertain significance. Review status: no assertion criteria provided. Collection method: clinical testing. Allele origin: germline. Affected: yes. Study: VKGL Data-share Consensus. Not counted in ClinVar's aggregate classification.

Literature cited by the submitters: PubMed 28356264 (cited by 3 submitters); PubMed 31641117 (cited by Women's Health and Genetics/Laboratory Corporation of America, LabCorp and Dasa); PubMed 33710525 (cited by 3 submitters); PubMed 25351925 (cited by 3 submitters); PubMed 37937776 (cited by Women's Health and Genetics/Laboratory Corporation of America, LabCorp); PubMed 32295012 (cited by Dasa); PubMed 26555887 (cited by Dasa and Ambry Genetics).